The following is an entry in ClinVar:

ClinVar aggregate classification (germline): Uncertain significance (1 of 4 stars; one submission).

Conditions:
Inborn genetic diseases. Identifiers: MedGen C0950123, MeSH D030342.

Submission:

Ambry Genetics
Classification: Uncertain significance for Inborn genetic diseases. Last evaluated: 2025-03-01. Review status: criteria provided, single submitter. Criteria: Ambry Variant Classification Scheme 2023. Collection method: clinical testing. Allele origin: germline.
Comment: The p.Q709K variant (also known as c.2125C>A), located in coding exon 12 of the FANCM gene, results from a C to A substitution at nucleotide position 2125. The glutamine at codon 709 is replaced by lysine, an amino acid with similar properties. This amino acid position is conserved. In addition, this alteration is predicted to be tolerated by in silico analysis. Based on the available evidence, the clinical significance of this variant remains unclear.

NM_020937.4(FANCM):c.2125C>A (p.Gln709Lys)

Gene: FANCM (FA complementation group M; plus strand). Cytogenetic location: 14q21.2.
Variant type: single nucleotide variant.
Coding change: c.2125C>A on transcript NM_020937.4 (MANE Select); coding-DNA position 2125, C replaced by A.
Protein change: p.Gln709Lys; replaces glutamine 709 with lysine.
Molecular consequence: missense variant.
Genome position (GRCh38, 1-based): chr14:45,170,711, C>A. VCF-style: chr14-45170711-C-A. GRCh37 (hg19) VCF-style: chr14-45639914-C-A.
Other names: c.2047C>A, p.Gln683Lys (NM_001308133.2); short protein forms Q709K, Q683K.
Identifiers: ClinVar variation 3848776 (VCV003848776.1).